The following is an entry in ClinVar:

NM_017613.4(DONSON):c.1411del (p.Glu471fs)

Gene: DONSON (DNA replication fork stabilization factor DONSON; minus strand). Cytogenetic location: 21q22.11.
Variant type: Deletion.
Coding change: c.1411del on transcript NM_017613.4 (MANE Select); coding-DNA position 1411, one base deleted (G; older notation c.1411delG).
Protein change: p.Glu471fs; shifts the reading frame from glutamic acid 471.
Molecular consequence: frameshift variant.
Genome position (GRCh38, 1-based): chr21:33,579,502, C deleted on the plus strand (G on the coding strand, the reverse complement: DONSON is on the minus strand); the first of 2 consecutive C bases (chr21:33,579,502-33,579,503); deleting either gives the same sequence. VCF-style (leftmost placement, unchanged base first): chr21-33579501-TC-T. GRCh37 (hg19) VCF-style: chr21-34951807-TC-T.
Other names: short protein forms E471fs.
Identifiers: ClinVar variation 3669624 (VCV003669624.2).
Genomic context (GRCh38, chr21:33,579,501, plus strand): 5'-GAAGATTTGAGCAGCATGGTCAGTGAATGCAGAGAATGAGGCATGATAGGACCTGTAATC[TC>T]CAAACTAAATTGGTCTCTGTATCCAGAAAGAGCTTGTGTCTTCACATTCACACTCCGTGC-3'

ClinVar aggregate classification (germline): Pathogenic (1 of 4 stars; one submission).

Submission:

Labcorp Genetics (formerly Invitae), Labcorp
Classification: Pathogenic. Last evaluated: 2024-08-21. Review status: criteria provided, single submitter. Criteria: Invitae Variant Classification Sherloc (09022015). Collection method: clinical testing. Allele origin: germline.
Comment: This sequence change creates a premature translational stop signal (p.Glu471Argfs*14) in the DONSON gene. It is expected to result in an absent or disrupted protein product. Loss-of-function variants in DONSON are known to be pathogenic (PMID: 28191891, 28630177). This variant is not present in population databases (gnomAD no frequency). This variant has not been reported in the literature in individuals affected with DONSON-related conditions. Algorithms developed to predict the effect of sequence changes on RNA splicing suggest that this variant may disrupt the consensus splice site. For these reasons, this variant has been classified as Pathogenic.

Literature cited by the submitters: PubMed 28191891; PubMed 28630177.